The following is an entry in ClinVar:

NM_000051.4(ATM):c.8967del (p.Glu2990fs)

Genes: ATM (ATM serine/threonine kinase; plus strand), C11orf65 (chromosome 11 open reading frame 65; minus strand). Cytogenetic location: 11q22.3.
Variant type: Deletion.
Coding change: c.8967del on transcript NM_000051.4 (MANE Select); coding-DNA position 8967, one base deleted (A; older notation c.8967delA).
Protein change: p.Glu2990fs; shifts the reading frame from glutamic acid 2990.
Molecular consequence: frameshift variant. On other transcripts: intron variant (2).
Genome position (GRCh38, 1-based): chr11:108,365,198, A deleted; the last of 2 consecutive A bases (chr11:108,365,197-108,365,198); deleting either gives the same sequence. VCF-style (leftmost placement, unchanged base first): chr11-108365196-CA-C. GRCh37 (hg19) VCF-style: chr11-108235923-CA-C.
Other names: c.8967del, p.Glu2990fs (NM_001351834.2); c.640+20723del (NM_001330368.2); c.694+20723del (NM_001351110.2); short protein forms E2990fs.
Identifiers: ClinVar variation 2679746 (VCV002679746.6), dbSNP rs2547677906, ClinGen allele CA2695198994.

ClinVar aggregate classification (germline): Pathogenic/Likely pathogenic. Review status: criteria provided, multiple submitters, no conflicts (2 of 4 stars). 4 submissions from 4 submitters: Pathogenic (2); Likely pathogenic (2). Last evaluated 2025-08-05.

Conditions:
Hereditary cancer-predisposing syndrome. Also called: Hereditary Cancer Syndrome; Hereditary neoplastic syndrome; Neoplastic Syndromes, Hereditary; Tumor predisposition. Identifiers: Orphanet 140162, MedGen C0027672, MeSH D009386, MONDO:0015356.
Ataxia-telangiectasia syndrome (AT). Also called: LOUIS-BAR SYNDROME; Cerebello-oculocutaneous telangiectasia; Immunodeficiency with ataxia telangiectasia; Ataxia-telangiectasia, complementation group E; Ataxia-telangiectasia, complementation group D; AT, COMPLEMENTATION GROUP C. Identifiers: Orphanet 100, MedGen C0004135, MONDO:0008840, OMIM 208900.
Familial cancer of breast. Also called: BREAST CANCER, FAMILIAL; Hereditary breast cancer; hereditary breast carcinoma. Identifiers: Orphanet 227535, MedGen C0346153, MONDO:0016419, OMIM 114480. Disease mechanism: loss of function.

Submissions (4):

Ambry Genetics
Classification: Likely pathogenic for Hereditary cancer-predisposing syndrome. Last evaluated: 2025-08-05. Review status: criteria provided, single submitter. Criteria: Ambry Variant Classification Scheme 2023. Collection method: clinical testing. Allele origin: germline.
Comment: The c.8967delA variant, located in coding exon 61 of the ATM gene, results from a deletion of one nucleotide at nucleotide position 8967, causing a translational frameshift with a predicted alternate stop codon (p.E2990Nfs*16). This alteration occurs at the 3' terminus of theATM gene, is not expected to trigger nonsense-mediated mRNA decay, and impacts the last 67 amino acids of the protein. However, premature stop codons are typically deleterious in nature and the impacted region is critical for protein function (Ambry internal data). This variant is considered to be rare based on population cohorts in the Genome Aggregation Database (gnomAD). Based on the majority of available evidence to date, this variant is likely to be pathogenic.

Labcorp Genetics (formerly Invitae), Labcorp
Classification: Pathogenic for Ataxia-telangiectasia syndrome. Last evaluated: 2025-03-03. Review status: criteria provided, single submitter. Criteria: Invitae Variant Classification Sherloc (09022015). Collection method: clinical testing. Allele origin: germline.
Comment: This sequence change creates a premature translational stop signal (p.Glu2990Asnfs*16) in the ATM gene. While this is not anticipated to result in nonsense mediated decay, it is expected to disrupt the last 67 amino acid(s) of the ATM protein. This variant is not present in population databases (gnomAD no frequency). This variant has not been reported in the literature in individuals affected with ATM-related conditions. ClinVar contains an entry for this variant (Variation ID: 2679746). This variant disrupts a region of the ATM protein in which other variant(s) (p.Arg3047*) have been determined to be pathogenic (PMID: 8755918, 10980530, 18560558, 19431188, 19691550, 26628246). This suggests that this is a clinically significant region of the protein, and that variants that disrupt it are likely to be disease-causing. For these reasons, this variant has been classified as Pathogenic.

Myriad Genetics, Inc.
Classification: Pathogenic for Familial cancer of breast. Last evaluated: 2024-02-06. Review status: criteria provided, single submitter. Criteria: Myriad Autosomal Dominant, Autosomal Recessive and X-Linked Classification Criteria (2023). Collection method: clinical testing. Allele origin: unknown.
Comment: This variant is considered pathogenic. This variant creates a frameshift predicted to result in premature protein truncation.

Baylor Genetics
Classification: Likely pathogenic for Familial cancer of breast. Last evaluated: 2023-02-22. Review status: criteria provided, single submitter. Criteria: ACMG Guidelines, 2015. Collection method: clinical testing. Allele origin: unknown.

Literature cited by the submitters: PubMed 8755918 (cited by Labcorp Genetics (formerly Invitae), Labcorp); PubMed 10980530 (cited by Labcorp Genetics (formerly Invitae), Labcorp); PubMed 18560558 (cited by Labcorp Genetics (formerly Invitae), Labcorp); PubMed 19431188 (cited by Labcorp Genetics (formerly Invitae), Labcorp); PubMed 19691550 (cited by Labcorp Genetics (formerly Invitae), Labcorp); PubMed 26628246 (cited by Labcorp Genetics (formerly Invitae), Labcorp).